The following is an entry in ClinVar:

NM_016247.4(IMPG2):c.1173C>A (p.His391Gln)

Gene: IMPG2 (interphotoreceptor matrix proteoglycan 2; minus strand). Cytogenetic location: 3q12.3.
Variant type: single nucleotide variant.
Coding change: c.1173C>A on transcript NM_016247.4 (MANE Select); coding-DNA position 1173, C replaced by A.
Protein change: p.His391Gln; replaces histidine 391 with glutamine.
Molecular consequence: missense variant.
Genome position (GRCh38, 1-based): chr3:101,253,762, G>T on the plus strand (C>A on the coding strand, the complement: IMPG2 is on the minus strand). VCF-style: chr3-101253762-G-T. GRCh37 (hg19) VCF-style: chr3-100972606-G-T.
Other names: short protein forms H391Q.
Identifiers: ClinVar variation 901979 (VCV000901979.15), dbSNP rs772639885, ClinGen allele CA2519254.

ClinVar aggregate classification (germline): Uncertain significance. Review status: criteria provided, multiple submitters, no conflicts (2 of 4 stars). 3 submissions from 3 submitters: Uncertain significance (3). Last evaluated 2023-08-17.

Conditions:
Retinitis pigmentosa (RP). Identifiers: Orphanet 791, MedGen C0035334, MeSH D012174, MONDO:0019200, OMIM 268000. Inheritance: Autosomal dominant, autosomal recessive and X linked inheritance.

Allele frequency attached by ClinVar (database versions not stated): gnomAD 0.00003 and 0.00004; TOPMed 0.00003; ExAC 0.00007.
gnomAD v4.1: 27 of 1,610,932 alleles (0.0017%); highest among the groups gnomAD compares: East Asian, 0.056%; no homozygotes.

Submissions (3):

Labcorp Genetics (formerly Invitae), Labcorp
Classification: Uncertain significance. Last evaluated: 2023-08-17. Review status: criteria provided, single submitter. Criteria: Invitae Variant Classification Sherloc (09022015). Collection method: clinical testing. Allele origin: germline.
Comment: Advanced modeling of protein sequence and biophysical properties (such as structural, functional, and spatial information, amino acid conservation, physicochemical variation, residue mobility, and thermodynamic stability) performed at Invitae indicates that this missense variant is not expected to disrupt IMPG2 protein function. This sequence change replaces histidine, which is basic and polar, with glutamine, which is neutral and polar, at codon 391 of the IMPG2 protein (p.His391Gln). This variant is present in population databases (rs772639885, gnomAD 0.1%). This variant has not been reported in the literature in individuals affected with IMPG2-related conditions. ClinVar contains an entry for this variant (Variation ID: 901979). In summary, the available evidence is currently insufficient to determine the role of this variant in disease. Therefore, it has been classified as a Variant of Uncertain Significance.

Blueprint Genetics
Classification: Uncertain significance. Last evaluated: 2022-09-27. Review status: criteria provided, single submitter. Criteria: ACMG Guidelines, 2015. Collection method: clinical testing. Allele origin: germline.

Illumina Laboratory Services, Illumina
Classification: Uncertain significance for Retinitis pigmentosa. Last evaluated: 2018-01-13. Review status: criteria provided, single submitter. Criteria: ICSL Variant Classification Criteria 13 December 2019. Collection method: clinical testing. Allele origin: germline.